The following is an entry in ClinVar:

NM_001197104.2(KMT2A):c.5816G>C (p.Cys1939Ser)

Gene: KMT2A (lysine methyltransferase 2A; plus strand). Cytogenetic location: 11q23.3.
Variant type: single nucleotide variant.
Coding change: c.5816G>C on transcript NM_001197104.2 (MANE Select); coding-DNA position 5816, G replaced by C.
Protein change: p.Cys1939Ser; replaces cysteine 1939 with serine.
Molecular consequence: missense variant.
Genome position (GRCh38, 1-based): chr11:118,498,383, G>C. VCF-style: chr11-118498383-G-C. GRCh37 (hg19) VCF-style: chr11-118369098-G-C.
Other names: c.5906G>C, p.Cys1969Ser (NM_001412597.1); c.5807G>C, p.Cys1936Ser (NM_005933.4); short protein forms C1936S, C1969S, C1939S.
Identifiers: ClinVar variation 4055805 (VCV004055805.1).

ClinVar aggregate classification (germline): Likely pathogenic (1 of 4 stars; one submission).

Submission:

GeneDx
Classification: Likely pathogenic. Last evaluated: 2025-01-05. Review status: criteria provided, single submitter. Criteria: GeneDx Variant Classification Process June 2021. Collection method: clinical testing. Allele origin: germline. Affected: yes.
Comment: Not observed at significant frequency in large population cohorts (gnomAD); In silico analysis supports that this missense variant has a deleterious effect on protein structure/function; Has not been previously published as pathogenic or benign to our knowledge